The following is an entry in ClinVar:

ClinVar aggregate classification (germline): Pathogenic (1 of 4 stars; one submission).

Conditions:
Mucopolysaccharidosis, MPS-IV-B (MPS4B). Also called: Mucopolysaccharidosis type IV B; Mucopolysaccharidosis Type IVB (Morquio B Disease); MORQUIO SYNDROME B; Mucopolysaccharidosis type 4B; Mucopolysaccharidosis Type IVB; Mucopolysaccharidosis type IVB (Morquio). Identifiers: Orphanet 309310, Orphanet 582, MedGen C0086652, MONDO:0009660, OMIM 253010.
GM1 gangliosidosis. Identifiers: Orphanet 354, MedGen C0085131, MONDO:0018149.

Submission:

Labcorp Genetics (formerly Invitae), Labcorp
Classification: Pathogenic for Mucopolysaccharidosis, MPS-IV-B; GM1 gangliosidosis. Last evaluated: 2019-07-05. Review status: criteria provided, single submitter. Criteria: Invitae Variant Classification Sherloc (09022015). Collection method: clinical testing. Allele origin: germline.
Comment: This sequence change creates a premature translational stop signal (p.Ser302Glyfs*34) in the GLB1 gene. It is expected to result in an absent or disrupted protein product. This variant is not present in population databases (ExAC no frequency). This variant has not been reported in the literature in individuals with GLB1-related conditions. Loss-of-function variants in GLB1 are known to be pathogenic (PMID: 18524657). For these reasons, this variant has been classified as Pathogenic.

NM_000404.4(GLB1):c.900_903dup (p.Ser302fs)

Gene: GLB1 (galactosidase beta 1; minus strand). Cytogenetic location: 3p22.3.
Variant type: Duplication.
Coding change: c.900_903dup on transcript NM_000404.4 (MANE Select); coding-DNA positions 900 to 903, 4 bases duplicated (GGCG; older notation c.900_903dupGGCG).
Protein change: p.Ser302fs; shifts the reading frame from serine 302.
Molecular consequence: frameshift variant.
Genome position (GRCh38, 1-based): chr3:33,051,894-33,051,897, CGCC duplicated on the plus strand (GGCG on the coding strand, the reverse complement: GLB1 is on the minus strand); duplicating any 4 consecutive bases within chr3:33,051,894-33,051,898 gives the same sequence; the c. name uses the placement nearest the transcript's 3' end. VCF-style (leftmost placement, unchanged base first): chr3-33051893-T-TCGCC. GRCh37 (hg19) VCF-style: chr3-33093385-T-TCGCC.
Other names: c.810_813dup, p.Ser272fs (NM_001079811.3); c.507_510dup, p.Ser171fs (NM_001135602.3); c.1044_1047dup, p.Ser350fs (NM_001317040.2); c.900_903dup, p.Ser302fs (NM_001393580.1); short protein forms S171fs, S272fs, S302fs, S350fs.
Identifiers: ClinVar variation 948954 (VCV000948954.1), dbSNP rs1699008262, ClinGen allele CA1139657923.